The following is an entry in ClinVar:

ClinVar aggregate classification (germline): Uncertain significance. Review status: criteria provided, multiple submitters, no conflicts (2 of 4 stars). 2 submissions from 2 submitters: Uncertain significance (2). Last evaluated 2021-12-07.

Allele frequency attached by ClinVar (database versions not stated): gnomAD 0.00002; TOPMed 0.00003.
gnomAD v4.1: 11 of 1,613,618 alleles (0.00068%); highest among the groups gnomAD compares: East Asian, 0.02%; no homozygotes.

Submissions (2):

GeneDx
Classification: Uncertain significance. Last evaluated: 2021-12-07. Review status: criteria provided, single submitter. Criteria: GeneDx Variant Classification Process June 2021. Collection method: clinical testing. Allele origin: germline. Affected: yes.
Comment: In silico analysis supports that this missense variant does not alter protein structure/function; Has not been previously published as pathogenic or benign to our knowledge

Labcorp Genetics (formerly Invitae), Labcorp
Classification: Uncertain significance. Last evaluated: 2021-08-27. Review status: criteria provided, single submitter. Criteria: Invitae Variant Classification Sherloc (09022015). Collection method: clinical testing. Allele origin: germline.
Comment: This sequence change replaces proline with threonine at codon 1435 of the PCDH15 protein (p.Pro1435Thr). The proline residue is weakly conserved and there is a small physicochemical difference between proline and threonine. This variant is present in population databases (rs766039931, ExAC 0.04%). This variant has not been reported in the literature in individuals affected with PCDH15-related conditions. Algorithms developed to predict the effect of missense changes on protein structure and function (SIFT, PolyPhen-2, Align-GVGD) all suggest that this variant is likely to be tolerated. In summary, the available evidence is currently insufficient to determine the role of this variant in disease. Therefore, it has been classified as a Variant of Uncertain Significance.

NM_001384140.1(PCDH15):c.4303C>A (p.Pro1435Thr)

Gene: PCDH15 (protocadherin related 15; minus strand). Cytogenetic location: 10q21.1.
Variant type: single nucleotide variant.
Coding change: c.4303C>A on transcript NM_001384140.1 (MANE Select); coding-DNA position 4303, C replaced by A.
Protein change: p.Pro1435Thr; replaces proline 1435 with threonine.
Molecular consequence: missense variant.
Genome position (GRCh38, 1-based): chr10:53,827,457, G>T on the plus strand (C>A on the coding strand, the complement: PCDH15 is on the minus strand). VCF-style: chr10-53827457-G-T. GRCh37 (hg19) VCF-style: chr10-55587217-G-T.
Other names: c.4318C>A, p.Pro1440Thr (NM_001142763.2, NM_001142771.2); c.4303C>A, p.Pro1435Thr (NM_001142764.2, NM_001142770.3, NM_001142772.2 and 3 more transcripts); c.4090C>A, p.Pro1364Thr (NM_001142765.2); c.4294C>A, p.Pro1432Thr (NM_001142766.2); c.4183C>A, p.Pro1395Thr (NM_001142767.2); c.4237C>A, p.Pro1413Thr (NM_001142768.2, NM_001354404.2); c.4339C>A, p.Pro1447Thr (NM_001142769.4); c.4228C>A, p.Pro1410Thr (NM_001142773.2); and 1 more; short protein forms P1364T, P1395T, P1410T, P1413T, P1432T, P1435T, P1440T, P1442T.
Identifiers: ClinVar variation 1314844 (VCV001314844.4), dbSNP rs766039931, ClinGen allele CA5505378.